The following is an entry in ClinVar:

ClinVar aggregate classification (germline): Uncertain significance (1 of 4 stars; one submission).

Conditions:
Inborn genetic diseases. Identifiers: MedGen C0950123, MeSH D030342.

Submission:

Ambry Genetics
Classification: Uncertain significance for Inborn genetic diseases. Last evaluated: 2025-10-27. Review status: criteria provided, single submitter. Criteria: Ambry Variant Classification Scheme 2023. Collection method: clinical testing. Allele origin: germline.
Comment: The p.A902T variant (also known as c.2704G>A), located in coding exon 19 of the MIB1 gene, results from a G to A substitution at nucleotide position 2704. The alanine at codon 902 is replaced by threonine, an amino acid with similar properties. This amino acid position is conserved. In addition, the in silico prediction for this alteration is inconclusive. Based on the available evidence, the clinical significance of this variant remains unclear.

NM_020774.4(MIB1):c.2704G>A (p.Ala902Thr)

Gene: MIB1 (MIB E3 ubiquitin protein ligase 1; plus strand). Cytogenetic location: 18q11.2.
Variant type: single nucleotide variant.
Coding change: c.2704G>A on transcript NM_020774.4 (MANE Select); coding-DNA position 2704, G replaced by A.
Protein change: p.Ala902Thr; replaces alanine 902 with threonine.
Molecular consequence: missense variant.
Genome position (GRCh38, 1-based): chr18:21,857,168, G>A. VCF-style: chr18-21857168-G-A. GRCh37 (hg19) VCF-style: chr18-19437129-G-A.
Other names: short protein forms A902T.
Identifiers: ClinVar variation 4624996 (VCV004624996.1).
Genomic context (GRCh38, chr18:21,857,168, plus strand): 5'-TGTCTGTGTTACCGTTTTCCAGACTGTGCTAACCTGATGAAAAAGTGTGTGCAGTGTCGA[G>A]CAGTAGTTGAACGAAGAGTGCCTTTCATTATGTGCTGTGGAGGGAAAAGTTCAGAAGATG-3'
Protein context (NP_065825.1, residues 892-912): NLMKKCVQCR[Ala902Thr]VVERRVPFIM